The following is an entry in ClinVar:

ClinVar aggregate classification (germline): Uncertain significance. Review status: criteria provided, multiple submitters, no conflicts (2 of 4 stars). 4 submissions from 4 submitters: Uncertain significance (3). 1 of the submissions does not count toward it. Last evaluated 2024-09-10.

Conditions:
Inborn genetic diseases. Identifiers: MedGen C0950123, MeSH D030342.
Leber congenital amaurosis (LCA). Also called: Leber's amaurosis. Identifiers: Orphanet 65, MedGen C0339527, MeSH D057130, MONDO:0018998.

Allele frequency attached by ClinVar (database versions not stated): gnomAD 0.00001; ExAC 0.00002; gnomAD exomes 0.00004; TOPMed 0.00004.
gnomAD v4.1: 58 of 1,613,586 alleles (0.0036%); highest among the groups gnomAD compares: Middle Eastern, 0.016%; no homozygotes.

Submissions (4):

Ambry Genetics
Classification: Uncertain significance for Inborn genetic diseases. Last evaluated: 2024-09-10. Review status: criteria provided, single submitter. Criteria: Ambry Variant Classification Scheme 2023. Collection method: clinical testing. Allele origin: germline.

Blueprint Genetics
Classification: Uncertain significance. Last evaluated: 2024-09-09. Review status: criteria provided, single submitter. Criteria: ACMG Guidelines, 2015. Collection method: clinical testing. Allele origin: germline.

Labcorp Genetics (formerly Invitae), Labcorp
Classification: Uncertain significance. Last evaluated: 2024-04-17. Review status: criteria provided, single submitter. Criteria: Invitae Variant Classification Sherloc (09022015). Collection method: clinical testing. Allele origin: germline.
Comment: This sequence change replaces arginine, which is basic and polar, with cysteine, which is neutral and slightly polar, at codon 84 of the LCA5 protein (p.Arg84Cys). This variant is present in population databases (rs750430540, gnomAD 0.01%). This variant has not been reported in the literature in individuals affected with LCA5-related conditions. ClinVar contains an entry for this variant (Variation ID: 846238). Advanced modeling of protein sequence and biophysical properties (such as structural, functional, and spatial information, amino acid conservation, physicochemical variation, residue mobility, and thermodynamic stability) performed at Invitae indicates that this missense variant is expected to disrupt LCA5 protein function with a positive predictive value of 80%. In summary, the available evidence is currently insufficient to determine the role of this variant in disease. Therefore, it has been classified as a Variant of Uncertain Significance.

Natera, Inc.
Classification: Uncertain significance for Leber congenital amaurosis. Last evaluated: 2020-09-16. Review status: no assertion criteria provided. Collection method: clinical testing. Allele origin: germline. Not counted in ClinVar's aggregate classification.

NM_001122769.3(LCA5):c.250C>T (p.Arg84Cys)

Gene: LCA5 (lebercilin LCA5; minus strand). Cytogenetic location: 6q14.1.
Variant type: single nucleotide variant.
Coding change: c.250C>T on transcript NM_001122769.3 (MANE Select); coding-DNA position 250, C replaced by T.
Protein change: p.Arg84Cys; replaces arginine 84 with cysteine.
Molecular consequence: missense variant.
Genome position (GRCh38, 1-based): chr6:79,513,682, G>A on the plus strand (C>T on the coding strand, the complement: LCA5 is on the minus strand). VCF-style: chr6-79513682-G-A. GRCh37 (hg19) VCF-style: chr6-80223399-G-A.
Other names: c.250C>T, p.Arg84Cys (NM_181714.4); short protein forms R84C.
Identifiers: ClinVar variation 846238 (VCV000846238.7), dbSNP rs750430540, ClinGen allele CA3901157.